The following is an entry in ClinVar:

NM_001379270.1(CNGA1):c.1673C>T (p.Thr558Met)

Genes: CNGA1 (cyclic nucleotide gated channel subunit alpha 1; minus strand), LOC101927157 (uncharacterized LOC101927157; plus strand). Cytogenetic location: 4p12.
Variant type: single nucleotide variant.
Coding change: c.1673C>T on transcript NM_001379270.1 (MANE Select); coding-DNA position 1673, C replaced by T.
Protein change: p.Thr558Met; replaces threonine 558 with methionine.
Molecular consequence: missense variant.
Genome position (GRCh38, 1-based): chr4:47,936,809, G>A on the plus strand (C>T on the coding strand, the complement: CNGA1 is on the minus strand). VCF-style: chr4-47936809-G-A. GRCh37 (hg19) VCF-style: chr4-47938826-G-A.
Other names: c.1673C>T, p.Thr558Met (NM_000087.5, NM_001142564.2); short protein forms T558M.
Identifiers: ClinVar variation 866035 (VCV000866035.8), dbSNP rs151223668, ClinGen allele CA2911031.

ClinVar aggregate classification (germline): Uncertain significance. Review status: criteria provided, multiple submitters, no conflicts (2 of 4 stars). 4 submissions from 4 submitters: Uncertain significance (4). Last evaluated 2024-07-19.

Conditions:
Retinitis pigmentosa 49 (RP49). Identifiers: Orphanet 791, MedGen C3151059, MONDO:0013405, OMIM 613756.

Allele frequency attached by ClinVar (database versions not stated): gnomAD 0.00006 and 0.00007; ExAC 0.00007; gnomAD exomes 0.00007 and 0.00010; 1000 Genomes Project 30x 0.00016; 1000 Genomes Project 0.00020; TOPMed 0.00004.
gnomAD v4.1: 115 of 1,614,106 alleles (0.0071%); highest among the groups gnomAD compares: East Asian, 0.067%; 1 homozygote.

Submissions (4):

Blueprint Genetics
Classification: Uncertain significance. Last evaluated: 2024-07-19. Review status: criteria provided, single submitter. Criteria: ACMG Guidelines, 2015. Collection method: clinical testing. Allele origin: germline.

3billion
Classification: Uncertain significance for Retinitis pigmentosa 49. Last evaluated: 2024-01-23. Review status: criteria provided, single submitter. Criteria: ACMG Guidelines, 2015. Collection method: clinical testing. Allele origin: germline. Affected: yes.
Comment: The variant is observed at an extremely low frequency in the gnomAD v2.1.1 dataset (total allele frequency: 0.009%). Predicted Consequence/Location: The majority of the known disease-causing variants of this gene are variants expected to result in premature termination of the protein. In silico tool predictions suggest damaging effect of the variant on gene or gene product [REVEL: 0.81 (>=0.6, sensitivity 0.68 and specificity 0.92); 3Cnet: 0.98 (>=0.6, sensitivity 0.72 and precision 0.9)]. Therefore, this variant is classified as VUS according to the recommendation of ACMG/AMP guideline.

Labcorp Genetics (formerly Invitae), Labcorp
Classification: Uncertain significance. Last evaluated: 2022-08-03. Review status: criteria provided, single submitter. Criteria: Invitae Variant Classification Sherloc (09022015). Collection method: clinical testing. Allele origin: germline.
Comment: This sequence change replaces threonine, which is neutral and polar, with methionine, which is neutral and non-polar, at codon 562 of the CNGA1 protein (p.Thr562Met). This variant is present in population databases (rs151223668, gnomAD 0.05%). This variant has not been reported in the literature in individuals affected with CNGA1-related conditions. ClinVar contains an entry for this variant (Variation ID: 866035). Algorithms developed to predict the effect of missense changes on protein structure and function (SIFT, PolyPhen-2, Align-GVGD) all suggest that this variant is likely to be disruptive. In summary, the available evidence is currently insufficient to determine the role of this variant in disease. Therefore, it has been classified as a Variant of Uncertain Significance.

Juno Genomics, Hangzhou Juno Genomics, Inc
Classification: Uncertain significance for Retinitis pigmentosa 49. Review status: criteria provided, single submitter. Criteria: ACMG Guidelines, 2015. Collection method: clinical testing. Allele origin: germline.
Comment: Absent from controls (or at extremely low frequency if recessive) in Genome Aggregation Database.;Multiple lines of computational evidence support a deleterious effect on the gene or gene product.